The following is an entry in ClinVar:

NM_058246.4(DNAJB6):c.*966C>T

Gene: DNAJB6 (DnaJ heat shock protein family (Hsp40) member B6; plus strand). Cytogenetic location: 7q36.3.
Variant type: single nucleotide variant.
Coding change: c.*966C>T on transcript NM_058246.4 (MANE Select); 966 bases downstream of the stop codon, C replaced by T.
Molecular consequence: 3 prime UTR variant.
Genome position (GRCh38, 1-based): chr7:157,417,064, C>T. VCF-style: chr7-157417064-C-T. GRCh37 (hg19) VCF-style: chr7-157209758-C-T.
Other names: c.*966C>T (NM_001363676.1).
Identifiers: ClinVar variation 359480 (VCV000359480.7), dbSNP rs143332396, ClinGen allele CA10628680.

ClinVar aggregate classification (germline): Benign/Likely benign. Review status: criteria provided, multiple submitters, no conflicts (2 of 4 stars). 2 submissions from 2 submitters: Benign (1); Likely benign (1). Last evaluated 2018-01-12.

Conditions:
Autosomal dominant limb-girdle muscular dystrophy type 1D (DNAJB6) (LGMDD1). Also called: MUSCULAR DYSTROPHY, LIMB-GIRDLE, TYPE 1D; MUSCULAR DYSTROPHY, AUTOSOMAL DOMINANT, WITH RIMMED VACUOLES; Autosomal dominant limb-girdle muscular dystrophy type 1D; Muscular dystrophy, limb-girdle, autosomal dominant 1. Identifiers: Orphanet 34516, MedGen C4721885, MONDO:0021018, OMIM 603511.

Allele frequency attached by ClinVar (database versions not stated): 1000 Genomes Project 30x 0.00765; 1000 Genomes Project 0.00779; TOPMed 0.01761.

Submissions (2):

Illumina Laboratory Services, Illumina
Classification: Benign for Autosomal dominant limb-girdle muscular dystrophy type 1D (DNAJB6). Last evaluated: 2018-01-12. Review status: criteria provided, single submitter. Criteria: ICSL Variant Classification Criteria 13 December 2019. Collection method: clinical testing. Allele origin: germline.
Comment: This variant was observed in the ICSL laboratory as part of a predisposition screen in an ostensibly healthy population. It had not been previously curated by ICSL or reported in the Human Gene Mutation Database (HGMD: prior to June 1st, 2018), and was therefore a candidate for classification through an automated scoring system. Utilizing variant allele frequency, disease prevalence and penetrance estimates, and inheritance mode, an automated score was calculated to assess if this variant is too frequent to cause the disease. Based on the score and internal cut-off values, a variant classified as benign is not then subjected to further curation. The score for this variant resulted in a classification of benign for this disease.

Breakthrough Genomics
Classification: Likely benign. Review status: criteria provided, single submitter. Criteria: ACMG Guidelines, 2015. Collection method: not provided. Allele origin: germline. Inheritance: Autosomal dominant inheritance. Affected: yes.